The following is an entry in ClinVar:

NM_001377275.1(PER3):c.1579A>G (p.Thr527Ala)

Gene: PER3 (period circadian regulator 3; plus strand). Cytogenetic location: 1p36.23.
Variant type: single nucleotide variant.
Coding change: c.1579A>G on transcript NM_001377275.1 (MANE Select); coding-DNA position 1579, A replaced by G.
Protein change: p.Thr527Ala; replaces threonine 527 with alanine.
Molecular consequence: missense variant.
Genome position (GRCh38, 1-based): chr1:7,819,341, A>G. VCF-style: chr1-7819341-A-G. GRCh37 (hg19) VCF-style: chr1-7879401-A-G.
Other names: c.1579A>G, p.Thr527Ala (NM_001289861.2, NM_001289862.2); c.1558A>G, p.Thr520Ala (NM_001289863.3, NM_001377276.1); c.622A>G, p.Thr208Ala (NM_001289864.3); c.1555A>G, p.Thr519Ala (NM_016831.4); short protein forms T527A, T520A, T208A, T519A.
Identifiers: ClinVar variation 774785 (VCV000774785.10), dbSNP rs147327372, ClinGen allele CA568151.

ClinVar aggregate classification (germline): Likely benign. Review status: criteria provided, multiple submitters, no conflicts (2 of 4 stars). 4 submissions from 4 submitters: Likely benign (3). 1 of the submissions does not count toward it. Last evaluated 2026-03-01.

Conditions:
PER3-related disorder. Also called: PER3-related condition.

Allele frequency attached by ClinVar (database versions not stated): 1000 Genomes Project 30x 0.00078; 1000 Genomes Project 0.00080; TOPMed 0.00135; gnomAD 0.00141 and 0.00146; gnomAD exomes 0.00153 and 0.00215; ExAC 0.00166; ESP Exome Variant Server 0.00246.
gnomAD v4.1: 3,325 of 1,613,620 alleles (0.21%); highest among the groups gnomAD compares: Middle Eastern, 0.31%; 5 homozygotes.

Submissions (4):

CeGaT Center for Human Genetics Tuebingen
Classification: Likely benign. Last evaluated: 2026-03-01. Review status: criteria provided, single submitter. Criteria: CeGaT Center For Human Genetics Tuebingen Variant Classification Criteria Version 2. Collection method: clinical testing. Allele origin: germline. Affected: yes. Observed: 1 variant allele.
Comment: PER3: BP4, BS2

Labcorp Genetics (formerly Invitae), Labcorp
Classification: Likely benign. Last evaluated: 2018-06-26. Review status: criteria provided, single submitter. Criteria: Invitae Variant Classification Sherloc (09022015). Collection method: clinical testing. Allele origin: germline.

Breakthrough Genomics
Classification: Likely benign. Review status: criteria provided, single submitter. Criteria: ACMG Guidelines, 2015. Collection method: not provided. Allele origin: germline. Inheritance: Autosomal dominant inheritance. Affected: yes.

PreventionGenetics, part of Exact Sciences
Classification: Likely benign for PER3-related condition. Last evaluated: 2019-05-20. Review status: no assertion criteria provided. Collection method: clinical testing. Allele origin: germline. Not counted in ClinVar's aggregate classification.
Comment: This variant is classified as likely benign based on ACMG/AMP sequence variant interpretation guidelines (Richards et al. 2015 PMID: 25741868, with internal and published modifications).